The following is an entry in ClinVar:

NM_002460.4(IRF4):c.714C>G (p.Ser238Arg)

Gene: IRF4 (interferon regulatory factor 4; plus strand). Cytogenetic location: 6p25.3.
Variant type: single nucleotide variant.
Coding change: c.714C>G on transcript NM_002460.4 (MANE Select); coding-DNA position 714, C replaced by G.
Protein change: p.Ser238Arg; replaces serine 238 with arginine.
Molecular consequence: missense variant. On other transcripts: non-coding transcript variant (1).
Genome position (GRCh38, 1-based): chr6:398,904, C>G. VCF-style: chr6-398904-C-G. GRCh37 (hg19) VCF-style: chr6-398904-C-G.
Other names: c.711C>G, p.Ser237Arg (NM_001195286.2); short protein forms S238R, S237R.
Identifiers: ClinVar variation 2791244 (VCV002791244.3), dbSNP rs1761334261, ClinGen allele CA362548145.

ClinVar aggregate classification (germline): Uncertain significance (1 of 4 stars; one submission).

gnomAD v4.1: 1 of 1,612,966 alleles (0.000062%); highest among the groups gnomAD compares: Non-Finnish European, 0.000085%; no homozygotes.

Submission:

Labcorp Genetics (formerly Invitae), Labcorp
Classification: Uncertain significance. Last evaluated: 2024-06-26. Review status: criteria provided, single submitter. Criteria: Invitae Variant Classification Sherloc (09022015). Collection method: clinical testing. Allele origin: germline.
Comment: This sequence change replaces serine, which is neutral and polar, with arginine, which is basic and polar, at codon 238 of the IRF4 protein (p.Ser238Arg). This variant is not present in population databases (gnomAD no frequency). This variant has not been reported in the literature in individuals affected with IRF4-related conditions. An algorithm developed to predict the effect of missense changes on protein structure and function (PolyPhen-2) suggests that this variant is likely to be disruptive. In summary, the available evidence is currently insufficient to determine the role of this variant in disease. Therefore, it has been classified as a Variant of Uncertain Significance.